The following is an entry in ClinVar:

NM_000141.5(FGFR2):c.892G>T (p.Gly298Cys)

Gene: FGFR2 (fibroblast growth factor receptor 2; minus strand). Cytogenetic location: 10q26.13.
Variant type: single nucleotide variant.
Coding change: c.892G>T on transcript NM_000141.5 (MANE Select); coding-DNA position 892, G replaced by T.
Protein change: p.Gly298Cys; replaces glycine 298 with cysteine.
Molecular consequence: missense variant. On other transcripts: non-coding transcript variant (1), intron variant (1).
Genome position (GRCh38, 1-based): chr10:121,520,026, C>A on the plus strand (G>T on the coding strand, the complement: FGFR2 is on the minus strand). VCF-style: chr10-121520026-C-A. GRCh37 (hg19) VCF-style: chr10-123279540-C-A.
Other names: c.892G>T, p.Gly298Cys (NM_001144913.1, NM_001144917.2, NM_001320658.2 and 1 more transcripts); c.625G>T, p.Gly209Cys (NM_001144915.2, NM_001144919.2, NM_023029.3); c.547G>T, p.Gly183Cys (NM_001144916.2, NM_001144918.2); c.208G>T, p.Gly70Cys (NM_001320654.2); c.749-4707G>T (NM_001144914.1); short protein forms G183C, G209C, G298C, G70C.
Identifiers: ClinVar variation 3702775 (VCV003702775.2).

ClinVar aggregate classification (germline): Uncertain significance (1 of 4 stars; one submission).

Conditions:
FGFR2-related craniosynostosis. Identifiers: MedGen CN231480.

Submission:

Labcorp Genetics (formerly Invitae), Labcorp
Classification: Uncertain significance for FGFR2-related craniosynostosis. Last evaluated: 2024-06-24. Review status: criteria provided, single submitter. Criteria: Invitae Variant Classification Sherloc (09022015). Collection method: clinical testing. Allele origin: germline.
Comment: This sequence change replaces glycine, which is neutral and non-polar, with cysteine, which is neutral and slightly polar, at codon 298 of the FGFR2 protein (p.Gly298Cys). This variant is not present in population databases (gnomAD no frequency). This variant has not been reported in the literature in individuals affected with FGFR2-related conditions. Advanced modeling of protein sequence and biophysical properties (such as structural, functional, and spatial information, amino acid conservation, physicochemical variation, residue mobility, and thermodynamic stability) performed at Invitae indicates that this missense variant is expected to disrupt FGFR2 protein function with a positive predictive value of 95%. In summary, the available evidence is currently insufficient to determine the role of this variant in disease. Therefore, it has been classified as a Variant of Uncertain Significance.